The following is an entry in ClinVar:

NM_031935.3(HMCN1):c.12107C>T (p.Ala4036Val)

Gene: HMCN1 (hemicentin 1; plus strand). Cytogenetic location: 1q31.1.
Variant type: single nucleotide variant.
Coding change: c.12107C>T on transcript NM_031935.3 (MANE Select); coding-DNA position 12107, C replaced by T.
Protein change: p.Ala4036Val; replaces alanine 4036 with valine.
Molecular consequence: missense variant.
Genome position (GRCh38, 1-based): chr1:186,120,023, C>T. VCF-style: chr1-186120023-C-T. GRCh37 (hg19) VCF-style: chr1-186089155-C-T.
Other names: short protein forms A4036V.
Identifiers: ClinVar variation 1964169 (VCV001964169.5), dbSNP rs2528027479, ClinGen allele CA343948938.
Genomic context (GRCh38, chr1:186,120,023, plus strand): 5'-GAACAGGCTTTTTTTTTTCCCCACTCTGCTTTTGTAACTATGTTGTAGGCAGAAACCATG[C>T]AGTTCTTCCTAGTGGCGGCTTACAGATCTCCAGAGCTGTCCGAGAGGATGCTGGCACTTA-3'
Protein context (NP_114141.2, residues 4026-4046): INVNTSGRNH[Ala4036Val]VLPSGGLQIS

ClinVar aggregate classification (germline): Uncertain significance (1 of 4 stars; one submission).

gnomAD v4.1: 6 of 1,613,974 alleles (0.00037%); highest among the groups gnomAD compares: Non-Finnish European, 0.00051%; no homozygotes.

Submission:

Labcorp Genetics (formerly Invitae), Labcorp
Classification: Uncertain significance. Last evaluated: 2022-07-26. Review status: criteria provided, single submitter. Criteria: Invitae Variant Classification Sherloc (09022015). Collection method: clinical testing. Allele origin: germline.
Comment: In summary, the available evidence is currently insufficient to determine the role of this variant in disease. Therefore, it has been classified as a Variant of Uncertain Significance. Algorithms developed to predict the effect of missense changes on protein structure and function (SIFT, PolyPhen-2, Align-GVGD) all suggest that this variant is likely to be tolerated. This variant has not been reported in the literature in individuals affected with HMCN1-related conditions. This variant is not present in population databases (gnomAD no frequency). This sequence change replaces alanine, which is neutral and non-polar, with valine, which is neutral and non-polar, at codon 4036 of the HMCN1 protein (p.Ala4036Val).